The following is an entry in ClinVar:

NM_012281.3(KCND2):c.989C>T (p.Ser330Leu)

Gene: KCND2 (potassium voltage-gated channel subfamily D member 2; plus strand). Cytogenetic location: 7q31.31.
Variant type: single nucleotide variant.
Coding change: c.989C>T on transcript NM_012281.3 (MANE Select); coding-DNA position 989, C replaced by T.
Protein change: p.Ser330Leu; replaces serine 330 with leucine.
Molecular consequence: missense variant.
Genome position (GRCh38, 1-based): chr7:120,275,621, C>T. VCF-style: chr7-120275621-C-T. GRCh37 (hg19) VCF-style: chr7-119915675-C-T.
Other names: short protein forms S330L.
Identifiers: ClinVar variation 657270 (VCV000657270.8), dbSNP rs1584706842, ClinGen allele CA369132836.
Genomic context (GRCh38, chr7:120,275,621, plus strand): 5'-TGCGCATCCTGGGGTACACACTGAAGAGTTGTGCCTCAGAATTGGGCTTCTTGCTTTTCT[C>T]GCTCACCATGGCTATCATCATCTTCGCTACAGTTATGTTCTACGCAGAGAAGGGGTCTTC-3'
Protein context (NP_036413.1, residues 320-340): CASELGFLLF[Ser330Leu]LTMAIIIFAT

ClinVar aggregate classification (germline): Uncertain significance (1 of 4 stars; one submission).

Conditions:
Early Myoclonic Encephalopathy. Identifiers: MedGen C0270855.

Allele frequency attached by ClinVar (database versions not stated): gnomAD exomes below 0.00001.
gnomAD v4.1: 1 of 1,610,962 alleles (0.000062%); highest among the groups gnomAD compares: Non-Finnish European, 0.000085%; no homozygotes.

Submission:

Labcorp Genetics (formerly Invitae), Labcorp
Classification: Uncertain significance for Early Myoclonic Encephalopathy. Last evaluated: 2022-04-29. Review status: criteria provided, single submitter. Criteria: Invitae Variant Classification Sherloc (09022015). Collection method: clinical testing. Allele origin: germline.
Comment: This sequence change replaces serine, which is neutral and polar, with leucine, which is neutral and non-polar, at codon 330 of the KCND2 protein (p.Ser330Leu). This variant is not present in population databases (gnomAD no frequency). This variant has not been reported in the literature in individuals affected with KCND2-related conditions. ClinVar contains an entry for this variant (Variation ID: 657270). In summary, the available evidence is currently insufficient to determine the role of this variant in disease. Therefore, it has been classified as a Variant of Uncertain Significance. Advanced modeling of protein sequence and biophysical properties (such as structural, functional, and spatial information, amino acid conservation, physicochemical variation, residue mobility, and thermodynamic stability) performed at Invitae indicates that this missense variant is not expected to disrupt KCND2 protein function.